The following is an entry in ClinVar:

NM_000179.3(MSH6):c.3928G>C (p.Glu1310Gln)

Gene: MSH6 (mutS homolog 6; plus strand). Cytogenetic location: 2p16.3.
Variant type: single nucleotide variant.
Coding change: c.3928G>C on transcript NM_000179.3 (MANE Select); coding-DNA position 3928, G replaced by C.
Protein change: p.Glu1310Gln; replaces glutamic acid 1310 with glutamine.
Molecular consequence: missense variant. On other transcripts: non-coding transcript variant (5), intron variant (1).
Genome position (GRCh38, 1-based): chr2:47,806,578, G>C. VCF-style: chr2-47806578-G-C. GRCh37 (hg19) VCF-style: chr2-48033717-G-C.
Other names: c.3538G>C, p.Glu1180Gln (NM_001281492.2); c.3022G>C, p.Glu1008Gln (NM_001281493.2, NM_001281494.2, NM_001406811.1 and 6 more transcripts); c.4024G>C, p.Glu1342Gln (NM_001406795.1); c.3928G>C, p.Glu1310Gln (NM_001406796.1, NM_001406808.1, NM_001406809.1); c.3631G>C, p.Glu1211Gln (NM_001406797.1, NM_001406801.1, NM_001406805.1 and 10 more transcripts); c.3754G>C, p.Glu1252Gln (NM_001406798.1); c.3403G>C, p.Glu1135Gln (NM_001406799.1, NM_001406806.1, NM_001406807.1); c.3915G>C, p.Gln1305His (NM_001406800.1); and 9 more; short protein forms E1008Q, E1254Q, E1310Q, E259Q, E625Q, Q1305H, E1284Q, E237Q.
Identifiers: ClinVar variation 3398975 (VCV003398975.3).

ClinVar aggregate classification (germline): Uncertain significance. Review status: criteria provided, multiple submitters, no conflicts (2 of 4 stars). 2 submissions from 2 submitters: Uncertain significance (2). Last evaluated 2024-12-08.

Conditions:
Hereditary nonpolyposis colorectal neoplasms. Identifiers: MedGen C0009405, MeSH D003123.
Hereditary cancer-predisposing syndrome. Also called: Hereditary Cancer Syndrome; Tumor predisposition; Hereditary neoplastic syndrome; Neoplastic Syndromes, Hereditary. Identifiers: Orphanet 140162, MedGen C0027672, MeSH D009386, MONDO:0015356.

Submissions (2):

Ambry Genetics
Classification: Uncertain significance for Hereditary cancer-predisposing syndrome. Last evaluated: 2024-12-08. Review status: criteria provided, single submitter. Criteria: Ambry Variant Classification Scheme 2023. Collection method: clinical testing. Allele origin: germline.
Comment: The p.E1310Q variant (also known as c.3928G>C), located in coding exon 9 of the MSH6 gene, results from a G to C substitution at nucleotide position 3928. The glutamic acid at codon 1310 is replaced by glutamine, an amino acid with highly similar properties. This amino acid position is conserved. In addition, the in silico prediction for this alteration is inconclusive. Based on the available evidence, the clinical significance of this variant remains unclear.

Labcorp Genetics (formerly Invitae), Labcorp
Classification: Uncertain significance for Hereditary nonpolyposis colorectal neoplasms. Last evaluated: 2024-09-11. Review status: criteria provided, single submitter. Criteria: Invitae Variant Classification Sherloc (09022015). Collection method: clinical testing. Allele origin: germline.
Comment: This sequence change replaces glutamic acid, which is acidic and polar, with glutamine, which is neutral and polar, at codon 1310 of the MSH6 protein (p.Glu1310Gln). This variant is not present in population databases (gnomAD no frequency). This variant has not been reported in the literature in individuals affected with MSH6-related conditions. Invitae Evidence Modeling of protein sequence and biophysical properties (such as structural, functional, and spatial information, amino acid conservation, physicochemical variation, residue mobility, and thermodynamic stability) indicates that this missense variant is not expected to disrupt MSH6 protein function with a negative predictive value of 95%. In summary, the available evidence is currently insufficient to determine the role of this variant in disease. Therefore, it has been classified as a Variant of Uncertain Significance.